The following is an entry in ClinVar:

ClinVar aggregate classification (germline): Uncertain significance (1 of 4 stars; one submission).

Conditions:
Hereditary cancer-predisposing syndrome. Also called: Neoplastic Syndromes, Hereditary; Tumor predisposition; Hereditary Cancer Syndrome; Hereditary neoplastic syndrome. Identifiers: Orphanet 140162, MedGen C0027672, MeSH D009386, MONDO:0015356.

Submission:

Ambry Genetics
Classification: Uncertain significance for Hereditary cancer-predisposing syndrome. Last evaluated: 2022-09-30. Review status: criteria provided, single submitter. Criteria: Ambry Variant Classification Scheme 2023. Collection method: clinical testing. Allele origin: germline.
Comment: The p.I281L variant (also known as c.841A>C), located in coding exon 6 of the DICER1 gene, results from an A to C substitution at nucleotide position 841. The isoleucine at codon 281 is replaced by leucine, an amino acid with highly similar properties. This amino acid position is conserved. In addition, this alteration is predicted to be tolerated by in silico analysis. Since supporting evidence is limited at this time, the clinical significance of this alteration remains unclear.

NM_177438.3(DICER1):c.841A>C (p.Ile281Leu)

Gene: DICER1 (dicer 1, ribonuclease III; minus strand). Cytogenetic location: 14q32.13.
Variant type: single nucleotide variant.
Coding change: c.841A>C on transcript NM_177438.3 (MANE Select); coding-DNA position 841, A replaced by C.
Protein change: p.Ile281Leu; replaces isoleucine 281 with leucine.
Molecular consequence: missense variant. On other transcripts: 5 prime UTR variant (1), non-coding transcript variant (6).
Genome position (GRCh38, 1-based): chr14:95,126,642, T>G on the plus strand (A>C on the coding strand, the complement: DICER1 is on the minus strand). VCF-style: chr14-95126642-T-G. GRCh37 (hg19) VCF-style: chr14-95592979-T-G.
Other names: c.841A>C, p.Ile281Leu (NM_001195573.1, NM_001271282.3, NM_001291628.2 and 15 more transcripts); c.559A>C, p.Ile187Leu (NM_001395686.1); c.436A>C, p.Ile146Leu (NM_001395687.1, NM_001395688.1, NM_001395689.1 and 3 more transcripts); c.274A>C, p.Ile92Leu (NM_001395691.1); c.-728A>C (NM_001395697.1); short protein forms I187L, I92L, I281L, I146L.
Identifiers: ClinVar variation 1763304 (VCV001763304.2), dbSNP rs2543229241, ClinGen allele CA390887559.